The following is an entry in ClinVar:

NM_006514.4(SCN10A):c.1603G>C (p.Gly535Arg)

Gene: SCN10A (sodium voltage-gated channel alpha subunit 10; minus strand). Cytogenetic location: 3p22.2.
Variant type: single nucleotide variant.
Coding change: c.1603G>C on transcript NM_006514.4 (MANE Select); coding-DNA position 1603, G replaced by C.
Protein change: p.Gly535Arg; replaces glycine 535 with arginine.
Molecular consequence: missense variant. On other transcripts: intron variant (1).
Genome position (GRCh38, 1-based): chr3:38,752,371, C>G on the plus strand (G>C on the coding strand, the complement: SCN10A is on the minus strand). VCF-style: chr3-38752371-C-G. GRCh37 (hg19) VCF-style: chr3-38793862-C-G.
Other names: c.1603G>C, p.Gly535Arg (NM_001293306.2); c.1462-2187G>C (NM_001293307.2); short protein forms G535R.
Identifiers: ClinVar variation 1776227 (VCV001776227.2), dbSNP rs1422171625, ClinGen allele CA352167422.

ClinVar aggregate classification (germline): Uncertain significance (1 of 4 stars; one submission).

Conditions:
Cardiovascular phenotype. Identifiers: MedGen CN230736.

Allele frequency attached by ClinVar (database versions not stated): gnomAD exomes below 0.00001; TOPMed 0.00001.
gnomAD v4.1: 2 of 1,613,974 alleles (0.00012%); highest among the groups gnomAD compares: African/African-American, 0.0027%; no homozygotes.

Submission:

Ambry Genetics
Classification: Uncertain significance for Cardiovascular phenotype. Last evaluated: 2021-11-28. Review status: criteria provided, single submitter. Criteria: Ambry Variant Classification Scheme 2023. Collection method: clinical testing. Allele origin: germline.
Comment: The p.G535R variant (also known as c.1603G>C), located in coding exon 11 of the SCN10A gene, results from a G to C substitution at nucleotide position 1603. The glycine at codon 535 is replaced by arginine, an amino acid with dissimilar properties. This amino acid position is conserved. In addition, the in silico prediction for this alteration is inconclusive. Since supporting evidence is limited at this time, the clinical significance of this alteration remains unclear.